The following is an entry in ClinVar:

NM_000038.6(APC):c.7652A>G (p.His2551Arg)

Gene: APC (APC regulator of Wnt signaling pathway; plus strand). Cytogenetic location: 5q22.2.
Variant type: single nucleotide variant.
Coding change: c.7652A>G on transcript NM_000038.6 (MANE Select); coding-DNA position 7652, A replaced by G.
Protein change: p.His2551Arg; replaces histidine 2551 with arginine.
Molecular consequence: missense variant. On other transcripts: non-coding transcript variant (2).
Genome position (GRCh38, 1-based): chr5:112,843,246, A>G. VCF-style: chr5-112843246-A-G. GRCh37 (hg19) VCF-style: chr5-112178943-A-G.
Other names: c.7652A>G (NM_000038.5); c.7265A>G, p.His2422Arg (NM_001407469.1, NM_001407467.1); c.6803A>G, p.His2268Arg (NM_001407470.1, NM_001354906.2); c.6500A>G, p.His2167Arg (NM_001407471.1, NM_001407472.1); c.7652A>G, p.His2551Arg (NM_001127510.3, NM_001354895.2, NM_001407450.1); c.7598A>G, p.His2533Arg (NM_001127511.3); c.7706A>G, p.His2569Arg (NM_001354896.2, NM_001407447.1, NM_001407448.1 and 1 more transcripts); c.7682A>G, p.His2561Arg (NM_001354897.2); and 12 more; short protein forms H2422R, H2551R, H2579R, H2425R, H2460R, H2492R, H2544R, H2268R.
Identifiers: ClinVar variation 2702805 (VCV002702805.4), dbSNP rs1060503314, ClinGen allele CA16037954.

ClinVar aggregate classification (germline): Uncertain significance. Review status: criteria provided, multiple submitters, no conflicts (2 of 4 stars). 2 submissions from 2 submitters: Uncertain significance (2). Last evaluated 2026-07-21.

Conditions:
Familial adenomatous polyposis 1 (FAP1). Also called: FAMILIAL ADENOMATOUS POLYPOSIS 1, ATTENUATED; POLYPOSIS, ADENOMATOUS INTESTINAL. Identifiers: MedGen C2713442, MONDO:0021056, OMIM 175100. Disease mechanism: loss of function.
Hereditary cancer-predisposing syndrome. Also called: Hereditary neoplastic syndrome; Hereditary Cancer Syndrome; Neoplastic Syndromes, Hereditary; Tumor predisposition. Identifiers: Orphanet 140162, MedGen C0027672, MeSH D009386, MONDO:0015356.

Allele frequency attached by ClinVar (database versions not stated): gnomAD exomes below 0.00001.
gnomAD v4.1: 1 of 1,613,922 alleles (0.000062%); highest among the groups gnomAD compares: South Asian, 0.0011%; no homozygotes.

Submissions (2):

Ambry Genetics
Classification: Uncertain significance for Hereditary cancer-predisposing syndrome. Last evaluated: 2026-07-21. Review status: criteria provided, single submitter. Criteria: Ambry Variant Classification Scheme 2023. Collection method: clinical testing. Allele origin: germline.
Comment: The p.H2551R variant (also known as c.7652A>G), located in coding exon 15 of the APC gene, results from an A to G substitution at nucleotide position 7652. The histidine at codon 2551 is replaced by arginine, an amino acid with highly similar properties. This amino acid position is conserved. In addition, in silico predictors for this gene do not accurately predict pathogenicity. Based on the available evidence, the clinical significance of this variant remains unclear.

Labcorp Genetics (formerly Invitae), Labcorp
Classification: Uncertain significance for Familial adenomatous polyposis 1. Last evaluated: 2023-12-13. Review status: criteria provided, single submitter. Criteria: Invitae Variant Classification Sherloc (09022015). Collection method: clinical testing. Allele origin: germline.
Comment: This sequence change replaces histidine, which is basic and polar, with arginine, which is basic and polar, at codon 2551 of the APC protein (p.His2551Arg). This variant is not present in population databases (gnomAD no frequency). This variant has not been reported in the literature in individuals affected with APC-related conditions. Advanced modeling of protein sequence and biophysical properties (such as structural, functional, and spatial information, amino acid conservation, physicochemical variation, residue mobility, and thermodynamic stability) performed at Invitae indicates that this missense variant is not expected to disrupt APC protein function with a negative predictive value of 95%. In summary, the available evidence is currently insufficient to determine the role of this variant in disease. Therefore, it has been classified as a Variant of Uncertain Significance.